The following is an entry in ClinVar:

ClinVar aggregate classification (germline): Benign. Review status: criteria provided, single submitter (1 of 4 stars). 3 submissions from 3 submitters: Benign (1). 2 of the submissions do not count toward it. Last evaluated 2026-01-19.

Conditions:
DPYS-related disorder. Also called: DPYS-related condition.

Allele frequency attached by ClinVar (database versions not stated): gnomAD exomes 0.00030 and 0.00010; ExAC 0.00037; gnomAD 0.00083 and 0.00086; 1000 Genomes Project 30x 0.00094; 1000 Genomes Project 0.00100; TOPMed 0.00128; ESP Exome Variant Server 0.00161.
gnomAD v4.1: 269 of 1,614,216 alleles (0.017%); highest among the groups gnomAD compares: African/African-American, 0.3%; 1 homozygote.

Submissions (3):

Labcorp Genetics (formerly Invitae), Labcorp
Classification: Benign. Last evaluated: 2026-01-19. Review status: criteria provided, single submitter. Criteria: Invitae Variant Classification Sherloc (09022015). Collection method: clinical testing. Allele origin: germline.

PreventionGenetics, part of Exact Sciences
Classification: Likely benign for DPYS-related condition. Last evaluated: 2019-04-04. Review status: no assertion criteria provided. Collection method: clinical testing. Allele origin: germline. Not counted in ClinVar's aggregate classification.
Comment: This variant is classified as likely benign based on ACMG/AMP sequence variant interpretation guidelines (Richards et al. 2015 PMID: 25741868, with internal and published modifications).

Diasio Lab,  Mayo Clinic
No classification provided. Review status: no classification provided. Collection method: not provided. Allele origin: unknown. Not counted in ClinVar's aggregate classification.

NM_001385.3(DPYS):c.1002G>A (p.Gln334=)

Gene: DPYS (dihydropyrimidinase; minus strand). Cytogenetic location: 8q22.3.
Variant type: single nucleotide variant.
Coding change: c.1002G>A on transcript NM_001385.3 (MANE Select); coding-DNA position 1002, G replaced by A.
Protein change: p.Gln334=; no amino-acid change (glutamine 334 retained).
Molecular consequence: synonymous variant.
Genome position (GRCh38, 1-based): chr8:104,428,070, C>T on the plus strand (G>A on the coding strand, the complement: DPYS is on the minus strand). VCF-style: chr8-104428070-C-T. GRCh37 (hg19) VCF-style: chr8-105440298-C-T.
Other names: c.1002G>A (NM_001385.2).
Identifiers: ClinVar variation 100140 (VCV000100140.11), dbSNP rs148318692, ClinGen allele CA228213.
Genomic context (GRCh38, chr8:104,428,070, plus strand): 5'-ATCTTCAACACCATTCACCCCATTGGGGATCTTGGTAAAATCATCCTTCCCAAGAGCTTT[C>T]TGGCAGGTGTTGAAAGTGCAGTTATCAGTCCCTGTTGTGGTTAGATCATCACTGTAAAAG-3'
Protein context (NP_001376.1, residues 324-344): GTDNCTFNTC[Gln334=]KALGKDDFTK